The following is an entry in ClinVar:

ClinVar aggregate classification (germline): Uncertain significance (1 of 4 stars; one submission).

Submission:

Labcorp Genetics (formerly Invitae), Labcorp
Classification: Uncertain significance. Last evaluated: 2022-12-23. Review status: criteria provided, single submitter. Criteria: Invitae Variant Classification Sherloc (09022015). Collection method: clinical testing. Allele origin: germline.
Comment: This variant has not been reported in the literature in individuals affected with AK7-related conditions. In summary, the available evidence is currently insufficient to determine the role of this variant in disease. Therefore, it has been classified as a Variant of Uncertain Significance. Advanced modeling of protein sequence and biophysical properties (such as structural, functional, and spatial information, amino acid conservation, physicochemical variation, residue mobility, and thermodynamic stability) performed at Invitae indicates that this missense variant is expected to disrupt AK7 protein function. This variant is not present in population databases (gnomAD no frequency). This sequence change replaces cysteine, which is neutral and slightly polar, with glycine, which is neutral and non-polar, at codon 112 of the AK7 protein (p.Cys112Gly).

NM_152327.5(AK7):c.334T>G (p.Cys112Gly)

Gene: AK7 (adenylate kinase 7; plus strand). Cytogenetic location: 14q32.2.
Variant type: single nucleotide variant.
Coding change: c.334T>G on transcript NM_152327.5 (MANE Select); coding-DNA position 334, T replaced by G.
Protein change: p.Cys112Gly; replaces cysteine 112 with glycine.
Molecular consequence: missense variant.
Genome position (GRCh38, 1-based): chr14:96,404,796, T>G. VCF-style: chr14-96404796-T-G. GRCh37 (hg19) VCF-style: chr14-96871133-T-G.
Other names: c.334T>G, p.Cys112Gly (NM_001350888.2, NM_001350890.2, NM_001350891.2 and 1 more transcripts); short protein forms C112G.
Identifiers: ClinVar variation 2823584 (VCV002823584.3), dbSNP rs2504316845, ClinGen allele CA390916086.
Genomic context (GRCh38, chr14:96,404,796, plus strand): 5'-GCTGTCAATTTTCTTTTTCAGGCCATCTCTCGAGAAGACCTTCTCATGCGCCTGCTGGAG[T>G]GTGATGTTATTATTTATAACATCACTGAGAGCTCACAGCAAATGGAGGAAGCCATCTGGG-3'
Protein context (NP_689540.2, residues 102-122): REDLLMRLLE[Cys112Gly]DVIIYNITES